The following is an entry in ClinVar:

NM_003923.3(FOXH1):c.58C>T (p.Pro20Ser)

Gene: FOXH1 (forkhead box H1; minus strand). Cytogenetic location: 8q24.3.
Variant type: single nucleotide variant.
Coding change: c.58C>T on transcript NM_003923.3 (MANE Select); coding-DNA position 58, C replaced by T.
Protein change: p.Pro20Ser; replaces proline 20 with serine.
Molecular consequence: missense variant.
Genome position (GRCh38, 1-based): chr8:144,475,699, G>A on the plus strand (C>T on the coding strand, the complement: FOXH1 is on the minus strand). VCF-style: chr8-144475699-G-A. GRCh37 (hg19) VCF-style: chr8-145701082-G-A.
Other names: short protein forms P20S.
Identifiers: ClinVar variation 528229 (VCV000528229.8), dbSNP rs778783647, ClinGen allele CA372726244.

ClinVar aggregate classification (germline): Uncertain significance. Review status: criteria provided, multiple submitters, no conflicts (2 of 4 stars). 2 submissions from 2 submitters: Uncertain significance (2). Last evaluated 2026-01-07.

Conditions:
Inborn genetic diseases. Identifiers: MedGen C0950123, MeSH D030342.
Holoprosencephaly sequence (HPE). Also called: Holoprosencephaly. Identifiers: Orphanet 2162, MedGen C0079541, MONDO:0016296, HP:0001360.

Allele frequency attached by ClinVar (database versions not stated): gnomAD 0.00001.

Submissions (2):

Labcorp Genetics (formerly Invitae), Labcorp
Classification: Uncertain significance for Holoprosencephaly sequence. Last evaluated: 2026-01-07. Review status: criteria provided, single submitter. Criteria: Invitae Variant Classification Sherloc (09022015). Collection method: clinical testing. Allele origin: germline.
Comment: This sequence change replaces proline, which is neutral and non-polar, with serine, which is neutral and polar, at codon 20 of the FOXH1 protein (p.Pro20Ser). The frequency data for this variant in the population databases is considered unreliable, as metrics indicate poor data quality at this position in the gnomAD database. This variant has not been reported in the literature in individuals affected with FOXH1-related conditions. ClinVar contains an entry for this variant (Variation ID: 528229). Invitae Evidence Modeling of protein sequence and biophysical properties (such as structural, functional, and spatial information, amino acid conservation, physicochemical variation, residue mobility, and thermodynamic stability) indicates that this missense variant is not expected to disrupt FOXH1 protein function with a negative predictive value of 80%. In summary, the available evidence is currently insufficient to determine the role of this variant in disease. Therefore, it has been classified as a Variant of Uncertain Significance.

Ambry Genetics
Classification: Uncertain significance for Inborn genetic diseases. Last evaluated: 2022-03-16. Review status: criteria provided, single submitter. Criteria: Ambry Variant Classification Scheme 2023. Collection method: clinical testing. Allele origin: germline.